The following is an entry in ClinVar:

ClinVar aggregate classification (germline): Uncertain significance. Review status: criteria provided, multiple submitters, no conflicts (2 of 4 stars). 2 submissions from 2 submitters: Uncertain significance (2). Last evaluated 2023-11-30.

Conditions:
Drash syndrome (DDS). Also called: WILMS TUMOR AND PSEUDO- OR TRUE HERMAPHRODITISM; NEPHROPATHY, WILMS TUMOR, AND GENITAL ANOMALIES. Identifiers: Orphanet 220, MedGen C0950121, MONDO:0008682, OMIM 194080.
Frasier syndrome. Identifiers: Orphanet 347, MedGen C0950122, MeSH D052159, MONDO:0007635, OMIM 136680.
Wilms tumor 1 (WT1). Also called: Wilms tumor, somatic. Identifiers: Orphanet 654, MedGen CN033288, MONDO:0008679, OMIM 194070.
11p partial monosomy syndrome (WAGR). Also called: WAGR syndrome; CHROMOSOME 11p13 DELETION SYNDROME; WAGR Complex; WAGR Spectrum Disorder. Identifiers: Orphanet 893, MedGen C0206115, MONDO:0008681, OMIM 194072.

Allele frequency attached by ClinVar (database versions not stated): TOPMed below 0.00001; gnomAD 0.00001.
gnomAD v4.1: 5 of 1,461,478 alleles (0.00034%); highest among the groups gnomAD compares: African/African-American, 0.0015%; no homozygotes.

Submissions (2):

GeneDx
Classification: Uncertain significance. Last evaluated: 2023-11-30. Review status: criteria provided, single submitter. Criteria: GeneDx Variant Classification Process June 2021. Collection method: clinical testing. Allele origin: germline. Affected: yes.
Comment: Not observed at significant frequency in large population cohorts (gnomAD); In silico analysis supports that this missense variant has a deleterious effect on protein structure/function; Has not been previously published as pathogenic or benign to our knowledge; This variant is associated with the following publications: (PMID: 8486616)

Labcorp Genetics (formerly Invitae), Labcorp
Classification: Uncertain significance for Wilms tumor 1; Drash syndrome; 11p partial monosomy syndrome; Frasier syndrome. Last evaluated: 2021-10-28. Review status: criteria provided, single submitter. Criteria: Invitae Variant Classification Sherloc (09022015). Collection method: clinical testing. Allele origin: germline.
Comment: ClinVar contains an entry for this variant (Variation ID: 952112). Algorithms developed to predict the effect of missense changes on protein structure and function are either unavailable or do not agree on the potential impact of this missense change (SIFT: "Deleterious"; PolyPhen-2: "Probably Damaging"; Align-GVGD: "Class C0"). In summary, the available evidence is currently insufficient to determine the role of this variant in disease. Therefore, it has been classified as a Variant of Uncertain Significance. This variant has not been reported in the literature in individuals affected with WT1-related conditions. This sequence change replaces proline, which is neutral and non-polar, with arginine, which is basic and polar, at codon 104 of the WT1 protein (p.Pro104Arg). This variant is not present in population databases (gnomAD no frequency).

NM_024426.6(WT1):c.326C>G (p.Pro109Arg)

Genes: WT1 (WT1 transcription factor; minus strand), LOC107982234 (WT1/WT1-AS bi-directional promoter region; plus strand). Cytogenetic location: 11p13.
Variant type: single nucleotide variant.
Coding change: c.326C>G on transcript NM_024426.6 (MANE Select); coding-DNA position 326, C replaced by G.
Protein change: p.Pro109Arg; replaces proline 109 with arginine.
Molecular consequence: missense variant. On other transcripts: non-coding transcript variant (1).
Genome position (GRCh38, 1-based): chr11:32,435,035, G>C on the plus strand (C>G on the coding strand, the complement: WT1 is on the minus strand). VCF-style: chr11-32435035-G-C. GRCh37 (hg19) VCF-style: chr11-32456581-G-C.
Other names: c.326C>G, p.Pro109Arg (NM_000378.6, NM_024424.5); short protein forms P109R.
Identifiers: ClinVar variation 952112 (VCV000952112.8), dbSNP rs1853459569, ClinGen allele CA379965920.
Genomic context (GRCh38, chr11:32,435,035, plus strand): 5'-GGCGCGGGGCCGCCCAACGACCCGTAAGCCGAAGCGCCCGGGGGCGCAAAGTCCAGCACC[G>C]GCGCCCACTGCGCCGCGCCGCTCACAGGCAGGGCACAGCCGCCGCCGCCACCCAGGGAGG-3'
Protein context (NP_077744.4, residues 99-119): LPVSGAAQWA[Pro109Arg]VLDFAPPGAS